The following is an entry in ClinVar:

NM_000077.5(CDKN2A):c.170C>A (p.Ala57Asp)

Gene: CDKN2A (cyclin dependent kinase inhibitor 2A; minus strand). Cytogenetic location: 9p21.3.
Variant type: single nucleotide variant.
Coding change: c.170C>A on transcript NM_000077.5; coding-DNA position 170, C replaced by A.
Protein change: p.Ala57Asp; replaces alanine 57 with aspartic acid.
Molecular consequence: missense variant (on NM_000077.6). On other transcripts: synonymous variant (1), 3 prime UTR variant (1).
Genome position (GRCh38, 1-based): chr9:21,971,189, G>T on the plus strand (C>A on the coding strand, the complement: CDKN2A is on the minus strand). VCF-style: chr9-21971189-G-T. GRCh37 (hg19) VCF-style: chr9-21971188-G-T.
Other names: c.170C>A, p.Ala57Asp (NM_000077.6, NM_001195132.2); c.17C>A, p.Ala6Asp (NM_001363763.2); c.213C>A, p.Arg71= (NM_058195.4); c.*93C>A (NM_058197.5); short protein forms A57D, A6D.
Identifiers: ClinVar variation 483325 (VCV000483325.23), dbSNP rs372266620, ClinGen allele CA5012214.

ClinVar aggregate classification (germline): Uncertain significance. Review status: criteria provided, multiple submitters, no conflicts (2 of 4 stars). 7 submissions from 7 submitters: Uncertain significance (7). Last evaluated 2025-06-10.

Conditions:
Familial melanoma. Also called: Hereditary melanoma; Hereditary cutaneous melanoma. Identifiers: Orphanet 618, MedGen C1512419, MONDO:0018961.
Hereditary cancer-predisposing syndrome. Also called: Tumor predisposition; Hereditary Cancer Syndrome; Hereditary neoplastic syndrome; Neoplastic Syndromes, Hereditary. Identifiers: Orphanet 140162, MedGen C0027672, MeSH D009386, MONDO:0015356.
Melanoma and neural system tumor syndrome. Also called: MELANOMA-ASTROCYTOMA SYNDROME. Identifiers: Orphanet 252206, MedGen C1835042, MONDO:0007967, OMIM 155755.
Melanoma, cutaneous malignant, susceptibility to, 2 (CMM2). Also called: CDKN2A-Related Cutaneous Malignant Melanoma; Cutaneous malignant melanoma 2. Identifiers: Orphanet 618, MedGen C1835044, MONDO:0007964, OMIM 155601.
Melanoma-pancreatic cancer syndrome. Identifiers: Orphanet 404560, MedGen C1838547, MONDO:0011713, OMIM 606719. Disease mechanism: loss of function.

Allele frequency attached by ClinVar (database versions not stated): TOPMed 0.00002.
gnomAD v4.1: 11 of 1,597,598 alleles (0.00069%); highest among the groups gnomAD compares: Middle Eastern, 0.066%; no homozygotes.

Submissions (7):

Hema, HEMA – Genetic and Molecular Diagnostic Laboratory
Classification: Uncertain significance for Melanoma-pancreatic cancer syndrome. Last evaluated: 2025-06-10. Review status: criteria provided, single submitter. Criteria: HEMA Variant Classification Assertion Criteria. Collection method: clinical testing. Allele origin: germline.
Comment: It is a transversion from guanine to thymine, resulting in the substitution of alanine 57 by aspartic acid. The frequency of the variant in gnomAD v4.1.0 does not allow the application of frequency criteria, and the score from the metapredictor REVEL is not conclusive. In the absence of further evidence, this variant is classified as a variant of uncertain significance.

Ambry Genetics
Classification: Uncertain significance for Hereditary cancer-predisposing syndrome. Last evaluated: 2025-03-31. Review status: criteria provided, single submitter. Criteria: Ambry Variant Classification Scheme 2023. Collection method: clinical testing. Allele origin: germline.
Comment: The p.A57D variant (also known as c.170C>A), located in coding exon 2 of the CDKN2A gene, results from a C to A substitution at nucleotide position 170. The alanine at codon 57 is replaced by aspartic acid, an amino acid with dissimilar properties. This alteration was identified in 1/1358 non-cancer control individuals and in 0/57 cases, in a study looking at cancer predisposition mutations in patients with cutaneous melanoma and a history of at least two additional non-cutaneous melanoma primary cancers (Pritchard AL et al. PLoS ONE, 2018 Apr;13:e0194098). This alteration has also been reported in a cohort of patients with Lynch syndrome-associated tumors and a personal or family history of sarcoma (de Angelis de Carvalho N et al. Cancers (Basel), 2020 Jul;12:). This variant was also reported in individual(s) with features consistent with rectal cancer (Beltrami CM et al. Cancer Commun (Lond), 2022 May;42:481-485). This amino acid position is not well conserved in available vertebrate species. In addition, the in silico prediction for this alteration is inconclusive. Based on the available evidence, the clinical significance of this variant remains unclear.

Color Diagnostics, LLC DBA Color Health
Classification: Uncertain significance for Hereditary cancer-predisposing syndrome. Last evaluated: 2024-08-28. Review status: criteria provided, single submitter. Criteria: ACMG Guidelines, 2015. Collection method: clinical testing. Allele origin: germline.
Comment: The CDKN2A locus encodes two different gene products, p16INK4a and p14ARF. This missense variant replaces alanine with aspartic acid at codon 57 of the CDKN2A (p16INK4A) protein. Computational prediction suggests that this variant may not impact protein structure and function. To our knowledge, functional studies have not been reported for this variant. This variant has been reported in an individual affected with early-onset rectal cancer (PMID: 35029067) and in an individual unaffected with cancer (PMID: 29641532). This variant has been identified in 2/220150 chromosomes in the general population by the Genome Aggregation Database (gnomAD). The available evidence is insufficient to determine the role of this variant in disease conclusively. Therefore, this variant is classified as a Variant of Uncertain Significance.

Baylor Genetics
Classification: Uncertain significance for Melanoma and neural system tumor syndrome. Last evaluated: 2024-02-21. Review status: criteria provided, single submitter. Criteria: ACMG Guidelines, 2015. Collection method: clinical testing. Allele origin: unknown.

Labcorp Genetics (formerly Invitae), Labcorp
Classification: Uncertain significance for Familial melanoma. Last evaluated: 2023-12-29. Review status: criteria provided, single submitter. Criteria: Invitae Variant Classification Sherloc (09022015). Collection method: clinical testing. Allele origin: germline.
Comment: This sequence change replaces alanine, which is neutral and non-polar, with aspartic acid, which is acidic and polar, at codon 57 of the CDKN2A (p16INK4a) protein (p.Ala57Asp). This variant is present in population databases (rs372266620, gnomAD 0.003%). This variant has not been reported in the literature in individuals affected with CDKN2A (p16INK4a)-related conditions. ClinVar contains an entry for this variant (Variation ID: 483325). An algorithm developed to predict the effect of missense changes on protein structure and function (PolyPhen-2) suggests that this variant¬†is likely to be tolerated. In summary, the available evidence is currently insufficient to determine the role of this variant in disease. Therefore, it has been classified as a Variant of Uncertain Significance.

GeneDx
Classification: Uncertain significance. Last evaluated: 2023-10-18. Review status: criteria provided, single submitter. Criteria: GeneDx Variant Classification Process June 2021. Collection method: clinical testing. Allele origin: germline. Affected: yes.
Comment: Not observed at significant frequency in large population cohorts (gnomAD); In silico analysis supports that this missense variant does not alter protein structure/function; Observed in an individual with endometrial sarcoma, tubular adenocarcinoma, and thyroid tumor (de Angelis de Carvalho et al., 2020); This variant is associated with the following publications: (PMID: 29641532, 32659967, 35029067)

Mendelics
Classification: Uncertain significance for Cutaneous malignant melanoma 2. Last evaluated: 2018-07-02. Review status: criteria provided, single submitter. Criteria: Mendelics Assertion Criteria 2017. Collection method: clinical testing. Allele origin: unknown.

Literature cited by the submitters: PubMed 32659967 (cited by Ambry Genetics); PubMed 35029067 (cited by Ambry Genetics and Color Diagnostics, LLC DBA Color Health); PubMed 29641532 (cited by Color Diagnostics, LLC DBA Color Health).